The following is an entry in ClinVar:

NM_002161.6(IARS1):c.617T>C (p.Val206Ala)

Gene: IARS1 (isoleucyl-tRNA synthetase 1; minus strand). Cytogenetic location: 9q22.31.
Variant type: single nucleotide variant.
Coding change: c.617T>C on transcript NM_002161.6 (MANE Select); coding-DNA position 617, T replaced by C.
Protein change: p.Val206Ala; replaces valine 206 with alanine.
Molecular consequence: missense variant. On other transcripts: non-coding transcript variant (1).
Genome position (GRCh38, 1-based): chr9:92,280,874, A>G on the plus strand (T>C on the coding strand, the complement: IARS1 is on the minus strand). VCF-style: chr9-92280874-A-G. GRCh37 (hg19) VCF-style: chr9-95043156-A-G.
Other names: c.617T>C, p.Val206Ala (NM_001374299.1, NM_001374300.1, NM_001374301.1 and 15 more transcripts); c.680T>C, p.Val227Ala (NM_001378569.1); c.494T>C, p.Val165Ala (NM_001378583.1); short protein forms V165A, V206A, V227A.
Identifiers: ClinVar variation 4728555 (VCV004728555.1).

ClinVar aggregate classification (germline): Uncertain significance (1 of 4 stars; one submission).

Submission:

Labcorp Genetics (formerly Invitae), Labcorp
Classification: Uncertain significance. Last evaluated: 2025-10-06. Review status: criteria provided, single submitter. Criteria: Invitae Variant Classification Sherloc (09022015). Collection method: clinical testing. Allele origin: germline.
Comment: This sequence change replaces valine, which is neutral and non-polar, with alanine, which is neutral and non-polar, at codon 206 of the IARS protein (p.Val206Ala). This variant is not present in population databases (gnomAD no frequency). This variant has not been reported in the literature in individuals affected with IARS-related conditions. An algorithm developed to predict the effect of missense changes on protein structure and function (PolyPhen-2) suggests that this variant is likely to be disruptive. In summary, the available evidence is currently insufficient to determine the role of this variant in disease. Therefore, it has been classified as a Variant of Uncertain Significance.